The following is an entry in ClinVar:

NM_000198.4(HSD3B2):c.776C>T (p.Thr259Met)

Gene: HSD3B2 (hydroxy-delta-5-steroid dehydrogenase, 3 beta- and steroid delta-isomerase 2; plus strand). Cytogenetic location: 1p12.
Variant type: single nucleotide variant.
Coding change: c.776C>T on transcript NM_000198.4 (MANE Select); coding-DNA position 776, C replaced by T.
Protein change: p.Thr259Met; replaces threonine 259 with methionine.
Molecular consequence: missense variant.
Genome position (GRCh38, 1-based): chr1:119,422,277, C>T. VCF-style: chr1-119422277-C-T. GRCh37 (hg19) VCF-style: chr1-119964900-C-T.
Other names: c.776C>T, p.Thr259Met (NM_001166120.2); short protein forms T259M.
Identifiers: ClinVar variation 12192 (VCV000012192.20), dbSNP rs80358221, ClinGen allele CA121935.
Genomic context (GRCh38, chr1:119,422,277, plus strand): 5'-TGCGGGACCCCAAGAAGGCCCCAAGTGTCCGAGGTCAATTCTATTACATCTCAGATGACA[C>T]GCCTCACCAAAGCTATGATAACCTTAATTACATCCTGAGCAAAGAGTTTGGCCTCCGCCT-3'
Protein context (NP_000189.1, residues 249-269): RGQFYYISDD[Thr259Met]PHQSYDNLNY

ClinVar aggregate classification (germline): Pathogenic/Likely pathogenic. Review status: criteria provided, multiple submitters, no conflicts (2 of 4 stars). 6 submissions from 6 submitters: Pathogenic (4); Likely pathogenic (1). 1 of the submissions does not count toward it. Last evaluated 2025-12-23.

Conditions:
Congenital adrenal hyperplasia. Identifiers: Orphanet 418, MedGen C0001627, MONDO:0018479, HP:0008258.
3 beta-Hydroxysteroid dehydrogenase deficiency. Also called: ADRENAL HYPERPLASIA, CONGENITAL, DUE TO 3-BETA-HYDROXYSTEROID DEHYDROGENASE 2 DEFICIENCY; Congenital adrenal hyperplasia due to 3-beta-hydroxysteroid dehydrogenase deficiency; 3-BETA-HSD DEFICIENCY; ADRENAL HYPERPLASIA II; 3b-hydroxysteroid dehydrogenase deficiency. Identifiers: Orphanet 90791, MedGen C0342471, MeSH C538236, MONDO:0008727, OMIM 201810. Disease mechanism: loss of function.

Allele frequency attached by ClinVar (database versions not stated): gnomAD 0.00001; gnomAD exomes below 0.00001 and 0.00001; TOPMed 0.00002; ExAC 0.00002.
gnomAD v4.1: 10 of 1,613,964 alleles (0.00062%); highest among the groups gnomAD compares: African/African-American, 0.0027%; no homozygotes.

Submissions (6):

Natera, Inc.
Classification: Pathogenic for 3 beta hydroxysteroid dehydrogenase deficiency. Last evaluated: 2025-12-23. Review status: criteria provided, single submitter. Criteria: Natera Variant Classification Schema (03/2026). Collection method: clinical testing. Allele origin: germline.
Comment: The c.776C>T variant in HSD3B2 is a missense variant predicted to cause substitution of threonine to methionine at amino acid 259. This variant is rare in the general population with a frequency below the threshold expected for the associated phenotype(s). This variant has been observed in one or more individuals affected with the associated recessive disease, as either homozygous or compound heterozygous with a second variant (PMID: 10599696, 34628416, 33757164). Additionally, this variant has been observed to segregate in affected family members (PMID: 10599696). Functional studies show that this variant may disrupt protein function (PMID: 10770215). Given the available evidence, this variant is classified as Pathogenic.

Fulgent Genetics
Classification: Pathogenic for 3 beta-Hydroxysteroid dehydrogenase deficiency. Last evaluated: 2024-03-22. Review status: criteria provided, single submitter. Criteria: ACMG Guidelines, 2015. Collection method: clinical testing. Allele origin: germline.

Women's Health and Genetics/Laboratory Corporation of America, LabCorp
Classification: Pathogenic for Congenital adrenal hyperplasia. Last evaluated: 2024-02-12. Review status: criteria provided, single submitter. Criteria: LabCorp Variant Classification Summary - May 2015. Collection method: clinical testing. Allele origin: germline.
Comment: Variant summary: HSD3B2 c.776C>T (p.Thr259Met) results in a non-conservative amino acid change located in the 3-beta hydroxysteroid dehydrogenase/isomerase domain (IPR002225) of the encoded protein sequence. Five of five in-silico tools predict a damaging effect of the variant on protein function. The variant allele was found at a frequency of 1.2e-05 in 251122 control chromosomes (gnomAD). The available data on variant occurrences in the general population are insufficient to allow any conclusion about variant significance. c.776C>T has been reported in the literature in multiple homozygous and compound heterozygous individuals affected with Congenital Adrenal Hyperplasia (e.g., Lutfallah_2002, Marui_2000, Moisan_1999, Zhang_1999). These data indicate that the variant is very likely to be associated with disease. At least one publication reports experimental evidence evaluating an impact on protein function, finding that the variant resulted in <10% of normal enzymatic activity in COS-1 cells (e.g., Zhang_1999). The following publications have been ascertained in the context of this evaluation (PMID: 12050224, 10973654, 10599696, 10770215). ClinVar contains an entry for this variant (Variation ID: 12192). Based on the evidence outlined above, the variant was classified as pathogenic.

Labcorp Genetics (formerly Invitae), Labcorp
Classification: Pathogenic. Last evaluated: 2023-09-10. Review status: criteria provided, single submitter. Criteria: Invitae Variant Classification Sherloc (09022015). Collection method: clinical testing. Allele origin: germline.
Comment: For these reasons, this variant has been classified as Pathogenic. This variant disrupts the p.Thr259 amino acid residue in HSD3B2. Other variant(s) that disrupt this residue have been observed in individuals with HSD3B2-related conditions (PMID: 7633460, 10599696), which suggests that this may be a clinically significant amino acid residue. Experimental studies have shown that this missense change affects HSD3B2 function (PMID: 10599696, 11196452). Advanced modeling of protein sequence and biophysical properties (such as structural, functional, and spatial information, amino acid conservation, physicochemical variation, residue mobility, and thermodynamic stability) performed at Invitae indicates that this missense variant is expected to disrupt HSD3B2 protein function. ClinVar contains an entry for this variant (Variation ID: 12192). This missense change has been observed in individuals with clinical features of congenital adrenal hyperplasia (PMID: 10599696, 10770215, 10973654). This variant is present in population databases (rs80358221, gnomAD 0.008%). This sequence change replaces threonine, which is neutral and polar, with methionine, which is neutral and non-polar, at codon 259 of the HSD3B2 protein (p.Thr259Met).

3billion
Classification: Likely pathogenic for 3 beta-Hydroxysteroid dehydrogenase deficiency. Last evaluated: 2022-05-22. Review status: criteria provided, single submitter. Criteria: ACMG Guidelines, 2015. Collection method: clinical testing. Allele origin: germline. Affected: yes. Observed: 1 homozygote.
Comment: The variant is observed at an extremely low frequency in the gnomAD v2.1.1 dataset (total allele frequency: 0.002%). In silico tool predictions suggest damaging effect of the variant on gene or gene product (REVEL: 0.90; 3Cnet: 0.03). Same nucleotide change resulting in same amino acid change has been previously reported to be associated with HSD3B2 related disorder (ClinVar ID: VCV000012192 / PMID: 10599696). The variant has been reported to be in trans with a pathogenic variant as either compound heterozygous or homozygous in at least one similarly affected unrelated individual (PMID: 10599696, 10770215, 10973654). A different missense change at the same codon (p.Thr259Arg) has been reported to be associated with HSD3B2 related disorder (PMID: 7633460). Therefore, this variant is classified as likely pathogenic according to the recommendation of ACMG/AMP guideline.

OMIM
Classification: Pathogenic for ADRENAL HYPERPLASIA, CONGENITAL, DUE TO 3-BETA-HYDROXYSTEROID DEHYDROGENASE 2 DEFICIENCY. Last evaluated: 2000-04-01. Review status: no assertion criteria provided. Collection method: literature only. Allele origin: germline. Not counted in ClinVar's aggregate classification.

Literature cited by the submitters: PubMed 10599696 (cited by 5 submitters); PubMed 34628416 (cited by Natera, Inc.); PubMed 33757164 (cited by Natera, Inc.); PubMed 10770215 (cited by 5 submitters); PubMed 10973654 (cited by 3 submitters); PubMed 12050224 (cited by Women's Health and Genetics/Laboratory Corporation of America, LabCorp); PubMed 7633460 (cited by Labcorp Genetics (formerly Invitae), Labcorp and 3billion); PubMed 11196452 (cited by Labcorp Genetics (formerly Invitae), Labcorp).